The following is an entry in ClinVar:

NM_007294.4(BRCA1):c.32T>C (p.Val11Ala)

Gene: BRCA1 (BRCA1 DNA repair associated; minus strand). Cytogenetic location: 17q21.31.
Variant type: single nucleotide variant.
Coding change: c.32T>C on transcript NM_007294.4 (MANE Select); coding-DNA position 32, T replaced by C.
Protein change: p.Val11Ala; replaces valine 11 with alanine.
Molecular consequence: missense variant. On other transcripts: 5 prime UTR variant (1), non-coding transcript variant (1).
Genome position (GRCh38, 1-based): chr17:43,124,065, A>G on the plus strand (T>C on the coding strand, the complement: BRCA1 is on the minus strand). VCF-style: chr17-43124065-A-G. GRCh37 (hg19) VCF-style: chr17-41276082-A-G.
Other names: c.32T>C, p.Val11Ala (NM_001407679.1, NM_001407680.1, NM_001407681.1 and 193 more transcripts); c.-226T>C (NM_001407694.1, NM_001407724.1, NM_001407727.1 and 11 more transcripts); c.-230T>C (NM_001407695.1, NM_001408465.1); c.-371T>C (NM_001407696.1); c.-255T>C (NM_001407697.1, NM_001407846.1, NM_001407920.1); c.-56T>C (NM_001407698.1, NM_001407732.1, NM_001407736.1 and 23 more transcripts); c.-229T>C (NM_001407725.1, NM_001407730.1, NM_001407734.1 and 22 more transcripts); c.-175T>C (NM_001407726.1, NM_001407751.1); and 8 more; short protein forms V11A.
Identifiers: ClinVar variation 54828 (VCV000054828.9), dbSNP rs80357017, ClinGen allele CA002131.

ClinVar aggregate classification (germline): Uncertain significance. Review status: criteria provided, single submitter (1 of 4 stars). 2 submissions from 2 submitters: Uncertain significance (1). 1 of the submissions does not count toward it. Last evaluated 2019-01-09.

Conditions:
Hereditary cancer-predisposing syndrome. Also called: Tumor predisposition; Neoplastic Syndromes, Hereditary; Hereditary Cancer Syndrome; Hereditary neoplastic syndrome. Identifiers: Orphanet 140162, MedGen C0027672, MeSH D009386, MONDO:0015356.
Breast-ovarian cancer, familial, susceptibility to, 1 (BROVCA1). Also called: OVARIAN CANCER, SUSCEPTIBILITY TO; BRCA1 Hereditary Breast and Ovarian Cancer. Identifiers: Orphanet 145, MedGen C2676676, MONDO:0011450, OMIM 604370. Disease mechanism: loss of function.

Submissions (3):

Ambry Genetics
Classification: Uncertain significance for Hereditary cancer-predisposing syndrome. Last evaluated: 2019-01-09. Review status: criteria provided, single submitter. Criteria: Ambry Variant Classification Scheme 2023. Collection method: clinical testing. Allele origin: germline.
Comment: The p.V11A variant (also known as c.32T>C), located in coding exon 1 of the BRCA1 gene, results from a T to C substitution at nucleotide position 32. The valine at codon 11 is replaced by alanine, an amino acid with similar properties. Functional studies on this variant have yielded conflicting results of its pathogenicity, with some showing defective BARD1 binding (Ruffner H et al. Proc. Natl. Acad. Sci. U.S.A. 2001 Apr;98:5134-9; Morris JR et al. Hum. Mol. Genet. 2006 Feb;15:599-606; Sarkar M and Magliery TJ. Mol Biosyst. 2008 Jun;4:599-605; Zhu Q et al. Nature. 2011 Sep;477:179-84; Starita LM et al. Genetics, 2015 Jun;200:413-22; Findlay GM et al. Nature. 2018 10;562:217-222). This amino acid position is highly conserved in available vertebrate species. In addition, this alteration is predicted to be deleterious by in silico analysis. Since supporting evidence is conflicting at this time, the clinical significance of this alteration remains unclear.

Breast Cancer Information Core (BIC) (BRCA1)
Classification: Uncertain significance for Breast-ovarian cancer, familial 1. Last evaluated: 1999-03-24. Review status: no assertion criteria provided. Collection method: clinical testing. Allele origin: germline. Affected: yes. Observed: 1 variant allele. Not counted in ClinVar's aggregate classification.

Brotman Baty Institute, University of Washington
No classification provided (evidence only). Condition: Breast-ovarian cancer, familial 1. Review status: no classification provided. Collection method: in vitro. Allele origin: not applicable. Functional consequence: functionally_normal. Not counted in ClinVar's aggregate classification.
ClinVar note: "not provided" was previously submitted as the classification for the variant. However, the classification appeared to be based only on an observation of functional data so it was converted to no classification on 2025-07-30.

Literature cited by the submitters: PubMed 11320250 (cited by Ambry Genetics); PubMed 16403807 (cited by Ambry Genetics); PubMed 18493658 (cited by Ambry Genetics); PubMed 21901007 (cited by Ambry Genetics); PubMed 25823446 (cited by Ambry Genetics); PubMed 30209399 (cited by Ambry Genetics).